The following is an entry in ClinVar:

ClinVar aggregate classification (germline): Uncertain significance (1 of 4 stars; one submission).

Conditions:
Primary ciliary dyskinesia 3. Identifiers: Orphanet 244, MedGen C1837618, MONDO:0012085, OMIM 608644.

Submission:

Myriad Genetics, Inc.
Classification: Uncertain significance for Primary ciliary dyskinesia 3. Last evaluated: 2026-08-07. Review status: criteria provided, single submitter. Criteria: Myriad Autosomal Dominant, Autosomal Recessive and X-Linked Classification Criteria (2023). Collection method: clinical testing. Allele origin: unknown.
Comment: NM_001369.2(DNAH5):c.2781_2783delATC(S928del) is an in-frame deletion classified as a variant of uncertain significance in the context of primary ciliary dyskinesia, DNAH5-related. S928del has not been observed in cases with relevant disease. Relevant functional assessments of this variant are not available in the literature. S928del has not been observed in referenced population frequency databases. In summary, there is insufficient evidence to classify NM_001369.2(DNAH5):c.2781_2783delATC(S928del) as pathogenic or benign. Please note: this variant was assessed in the context of healthy population screening.

NM_001369.3(DNAH5):c.2778ATC[1] (p.Ser928del)

Genes: DNAH5 (dynein axonemal heavy chain 5; minus strand), DNAH5-AS1 (DNAH5 antisense RNA 1; plus strand). Cytogenetic location: 5p15.2.
Variant type: Microsatellite.
Coding change: c.2778ATC[1] on transcript NM_001369.3 (MANE Select); one copy of the 3-base unit ATC starting at c.2778; the reference has two copies in a row; one copy, 3 bases deleted.
Protein change: p.Ser928del; deletes serine 928.
Molecular consequence: inframe deletion.
Genome position (GRCh38, 1-based): chr5:13,885,189-13,885,191, GAT deleted on the plus strand (ATC on the coding strand, the reverse complement: DNAH5 is on the minus strand); deleting any 3 consecutive bases within chr5:13,885,189-13,885,195 gives the same sequence; the position shown is the placement nearest the transcript's 3' end. VCF-style (leftmost placement, unchanged base first): chr5-13885188-AGAT-A. GRCh37 (hg19) VCF-style: chr5-13885297-AGAT-A.
Other names: short protein forms S928del.
Identifiers: ClinVar variation 5003610 (VCV005003610.1).
Genomic context (GRCh38, chr5:13,885,188, plus strand): 5'-AGTTTCTTTCTTTTTCCTCGTGACTGTCGTCAAAAGCAGGGCATTGGCCCTGGCATTAAT[AGAT>A]GATGTCAAGGTGTCAAAATTTCCTTCTTCTCTTTTTGCTGTTACAAGATGAAAGAGATAG-3'